The following is an entry in ClinVar:

ClinVar aggregate classification (germline): Uncertain significance. Review status: criteria provided, multiple submitters, no conflicts (2 of 4 stars). 2 submissions from 2 submitters: Uncertain significance (2). Last evaluated 2022-01-15.

Conditions:
Developmental and epileptic encephalopathy, 36 (DEE36). Also called: Congenital disorder of glycosylation, type Is; ALG13-CDG; Epileptic encephalopathy, early infantile, 36. Identifiers: Orphanet 324422, MedGen C4317295, MONDO:0010472, OMIM 300884.

Allele frequency attached by ClinVar (database versions not stated): TOPMed below 0.00001.
gnomAD v4.1: 1 of 1,210,568 alleles (0.000083%); highest among the groups gnomAD compares: Non-Finnish European, 0.00011%; no homozygotes.

Submissions (2):

Labcorp Genetics (formerly Invitae), Labcorp
Classification: Uncertain significance for Developmental and epileptic encephalopathy, 36. Last evaluated: 2022-01-15. Review status: criteria provided, single submitter. Criteria: Invitae Variant Classification Sherloc (09022015). Collection method: clinical testing. Allele origin: germline.
Comment: Algorithms developed to predict the effect of missense changes on protein structure and function are either unavailable or do not agree on the potential impact of this missense change (SIFT: "Tolerated"; PolyPhen-2: "Probably Damaging"; Align-GVGD: "Class C0"). In summary, the available evidence is currently insufficient to determine the role of this variant in disease. Therefore, it has been classified as a Variant of Uncertain Significance. This variant has not been reported in the literature in individuals affected with ALG13-related conditions. This variant is not present in population databases (gnomAD no frequency). This sequence change replaces lysine, which is basic and polar, with asparagine, which is neutral and polar, at codon 674 of the ALG13 protein (p.Lys674Asn).

Blueprint Genetics
Classification: Uncertain significance. Last evaluated: 2021-10-15. Review status: criteria provided, single submitter. Criteria: ACMG Guidelines, 2015. Collection method: clinical testing. Allele origin: germline.

NM_001099922.3(ALG13):c.2022A>T (p.Lys674Asn)

Gene: ALG13 (ALG13 UDP-N-acetylglucosaminyltransferase subunit; plus strand). Cytogenetic location: Xq23.
Variant type: single nucleotide variant.
Coding change: c.2022A>T on transcript NM_001099922.3 (MANE Select); coding-DNA position 2022, A replaced by T.
Protein change: p.Lys674Asn; replaces lysine 674 with asparagine.
Molecular consequence: missense variant. On other transcripts: non-coding transcript variant (1).
Genome position (GRCh38, 1-based): chrX:111,727,377, A>T. VCF-style: chrX-111727377-A-T. GRCh37 (hg19) VCF-style: chrX-110970605-A-T.
Other names: c.1710A>T, p.Lys570Asn (NM_001257230.2, NM_001257234.2, NM_001257237.2); c.1788A>T, p.Lys596Asn (NM_001257231.2); c.2022A>T, p.Lys674Asn (NM_001324292.2); c.1536A>T, p.Lys512Asn (NM_001324293.1); short protein forms K674N, K512N, K570N, K596N.
Identifiers: ClinVar variation 1914696 (VCV001914696.6), dbSNP rs1291962279, ClinGen allele CA414253077.
Genomic context (GRCh38, chrX:111,727,377, plus strand): 5'-TCTCTTTATTCTTAGGAATTCATCTCGGTTTATAAACAGGCACAACATGCCGGGCCCTAA[A>T]GTTGATTTTTACCCAGGCCCAGGTAAAAGGTGCTGCCAGAGCTATGATAACTTCTCTTAT-3'
Protein context (NP_001093392.1, residues 664-684): FINRHNMPGP[Lys674Asn]VDFYPGPGKR